The following is an entry in ClinVar:

ClinVar aggregate classification (germline): Likely benign (0 of 4 stars; one submission).

Conditions:
Familial cancer of breast. Also called: BREAST CANCER, FAMILIAL; hereditary breast carcinoma; Hereditary breast cancer. Identifiers: Orphanet 227535, MedGen C0346153, MONDO:0016419, OMIM 114480. Disease mechanism: loss of function.

Allele frequency attached by ClinVar (database versions not stated): ExAC 0.00002; gnomAD 0.00002; gnomAD exomes 0.00002; TOPMed 0.00005; ESP Exome Variant Server 0.00008.
gnomAD v4.1: 33 of 1,587,370 alleles (0.0021%); highest among the groups gnomAD compares: Non-Finnish European, 0.0026%; no homozygotes.

Submission:

Leiden Open Variation Database
Classification: Likely benign for Familial cancer of breast. Last evaluated: 2019-05-13. Review status: no assertion criteria provided. Collection method: curation. Allele origin: germline. Affected: yes.
Comment: Curators: Marc Tischkowitz, Arleen D. Auerbach. Submitter to LOVD: Marc Tischkowitz.

Literature cited by the submitters: PubMed 21932393.

NM_024675.4(PALB2):c.3202-45A>G

Gene: PALB2 (partner and localizer of BRCA2; minus strand). Cytogenetic location: 16p12.2.
Variant type: single nucleotide variant.
Coding change: c.3202-45A>G on transcript NM_024675.4 (MANE Select); 45 bases into the intron before coding-DNA position 3202, A replaced by G.
Molecular consequence: intron variant.
Genome position (GRCh38, 1-based): chr16:23,608,057, T>C on the plus strand (A>G on the coding strand, the complement: PALB2 is on the minus strand). VCF-style: chr16-23608057-T-C. GRCh37 (hg19) VCF-style: chr16-23619378-T-C.
Identifiers: ClinVar variation 126724 (VCV000126724.3), dbSNP rs370826543, ClinGen allele CA269609.
Genomic context (GRCh38, chr16:23,608,057, plus strand): 5'-CAATAAAGAGAAGCCCCTAATTTCGGAGAAAAATAAATATCCCAAATAGACTGTCAAGAG[T>C]ATGTCAGGAAAAATAAAGATCTGGCAGAGACAAAAACCAAACAATTAAAGCAATGACCGA-3'